The following is an entry in ClinVar:

ClinVar aggregate classification (germline): Uncertain significance. Review status: criteria provided, multiple submitters, no conflicts (2 of 4 stars). 2 submissions from 2 submitters: Uncertain significance (2). Last evaluated 2024-04-11.

Conditions:
Cornelia de Lange syndrome 1 (CDLS1). Also called: NIPBL-Related Cornelia de Lange Syndrome; Brachmann de Lange syndrome; TYPUS DEGENERATIVUS AMSTELODAMENSIS. Identifiers: Orphanet 199, MedGen C4551851, MONDO:0007387, OMIM 122470.

Allele frequency attached by ClinVar (database versions not stated): ExAC 0.00001; gnomAD exomes 0.00002.
gnomAD v4.1: 41 of 1,613,316 alleles (0.0025%); highest among the groups gnomAD compares: Non-Finnish European, 0.0035%; no homozygotes.

Submissions (2):

Labcorp Genetics (formerly Invitae), Labcorp
Classification: Uncertain significance for Cornelia de Lange syndrome 1. Last evaluated: 2024-04-11. Review status: criteria provided, single submitter. Criteria: Invitae Variant Classification Sherloc (09022015). Collection method: clinical testing. Allele origin: germline.
Comment: This sequence change replaces proline, which is neutral and non-polar, with alanine, which is neutral and non-polar, at codon 2330 of the NIPBL protein (p.Pro2330Ala). This variant is present in population databases (rs764147606, gnomAD 0.004%). This variant has not been reported in the literature in individuals affected with NIPBL-related conditions. ClinVar contains an entry for this variant (Variation ID: 996259). Advanced modeling of protein sequence and biophysical properties (such as structural, functional, and spatial information, amino acid conservation, physicochemical variation, residue mobility, and thermodynamic stability) has been performed at Invitae for this missense variant, however the output from this modeling did not meet the statistical confidence thresholds required to predict the impact of this variant on NIPBL protein function. In summary, the available evidence is currently insufficient to determine the role of this variant in disease. Therefore, it has been classified as a Variant of Uncertain Significance.

Women's Health and Genetics/Laboratory Corporation of America, LabCorp
Classification: Uncertain significance. Last evaluated: 2021-01-08. Review status: criteria provided, single submitter. Criteria: LabCorp Variant Classification Summary - May 2015. Collection method: clinical testing. Allele origin: germline.
Comment: Variant summary: NIPBL c.6988C>G (p.Pro2330Ala) results in a non-conservative amino acid change located in the SCC2/Nipped-B family domain of the encoded protein sequence. Three of five in-silico tools predict a damaging effect of the variant on protein function. The variant allele was found at a frequency of 2e-05 in 251268 control chromosomes. The available data on variant occurrences in the general population are insufficient to allow any conclusion about variant significance. To our knowledge, no occurrence of c.6988C>G in individuals affected with Cornelia De Lange Syndrome 1 and no experimental evidence demonstrating its impact on protein function have been reported. No clinical diagnostic laboratories have submitted clinical-significance assessments for this variant to ClinVar after 2014. Based on the evidence outlined above, the variant was classified as uncertain significance.

NM_133433.4(NIPBL):c.6988C>G (p.Pro2330Ala)

Gene: NIPBL (NIPBL cohesin loading factor; plus strand). Cytogenetic location: 5p13.2.
Variant type: single nucleotide variant.
Coding change: c.6988C>G on transcript NM_133433.4 (MANE Select); coding-DNA position 6988, C replaced by G.
Protein change: p.Pro2330Ala; replaces proline 2330 with alanine.
Molecular consequence: missense variant.
Genome position (GRCh38, 1-based): chr5:37,051,812, C>G. VCF-style: chr5-37051812-C-G. GRCh37 (hg19) VCF-style: chr5-37051914-C-G.
Other names: c.6988C>G, p.Pro2330Ala (NM_015384.5); short protein forms P2330A.
Identifiers: ClinVar variation 996259 (VCV000996259.4), dbSNP rs764147606, ClinGen allele CA3237109.